The following is an entry in ClinVar:

NM_020937.4(FANCM):c.2501A>C (p.Glu834Ala)

Gene: FANCM (FA complementation group M; plus strand). Cytogenetic location: 14q21.2.
Variant type: single nucleotide variant.
Coding change: c.2501A>C on transcript NM_020937.4 (MANE Select); coding-DNA position 2501, A replaced by C.
Protein change: p.Glu834Ala; replaces glutamic acid 834 with alanine.
Molecular consequence: missense variant.
Genome position (GRCh38, 1-based): chr14:45,175,255, A>C. VCF-style: chr14-45175255-A-C. GRCh37 (hg19) VCF-style: chr14-45644458-A-C.
Other names: c.2423A>C, p.Glu808Ala (NM_001308133.2); short protein forms E808A, E834A.
Identifiers: ClinVar variation 1314238 (VCV001314238.5), dbSNP rs923735366, ClinGen allele CA389597983.

ClinVar aggregate classification (germline): Uncertain significance. Review status: criteria provided, multiple submitters, no conflicts (2 of 4 stars). 2 submissions from 2 submitters: Uncertain significance (2). Last evaluated 2023-12-08.

Conditions:
Fanconi anemia (FA). Also called: Fanconi's anemia. Identifiers: Orphanet 84, MedGen C0015625, MeSH D005199, MONDO:0019391.

Submissions (2):

Labcorp Genetics (formerly Invitae), Labcorp
Classification: Uncertain significance for Fanconi anemia. Last evaluated: 2023-12-08. Review status: criteria provided, single submitter. Criteria: Invitae Variant Classification Sherloc (09022015). Collection method: clinical testing. Allele origin: germline.
Comment: This sequence change replaces glutamic acid, which is acidic and polar, with alanine, which is neutral and non-polar, at codon 834 of the FANCM protein (p.Glu834Ala). This variant is present in population databases (no rsID available, gnomAD 0.002%). This variant has not been reported in the literature in individuals affected with FANCM-related conditions. ClinVar contains an entry for this variant (Variation ID: 1314238). An algorithm developed to predict the effect of missense changes on protein structure and function (PolyPhen-2) suggests that this variant is likely to be tolerated. In summary, the available evidence is currently insufficient to determine the role of this variant in disease. Therefore, it has been classified as a Variant of Uncertain Significance.

GeneDx
Classification: Uncertain significance. Last evaluated: 2021-03-24. Review status: criteria provided, single submitter. Criteria: GeneDx Variant Classification Process June 2021. Collection method: clinical testing. Allele origin: germline. Affected: yes.
Comment: Not observed at a significant frequency in large population cohorts (Lek 2016); In silico analysis supports that this missense variant has a deleterious effect on protein structure/function; Has not been previously published as pathogenic or benign to our knowledge